The following is an entry in ClinVar:

NM_000371.4(TTR):c.252T>G (p.Phe84Leu)

Gene: TTR (transthyretin; plus strand). Cytogenetic location: 18q12.1.
Variant type: single nucleotide variant.
Coding change: c.252T>G on transcript NM_000371.4 (MANE Select); coding-DNA position 252, T replaced by G.
Protein change: p.Phe84Leu; replaces phenylalanine 84 with leucine.
Molecular consequence: missense variant.
Genome position (GRCh38, 1-based): chr18:31,595,171, T>G. VCF-style: chr18-31595171-T-G. GRCh37 (hg19) VCF-style: chr18-29175134-T-G.
Other names: short protein forms F84L.
Identifiers: ClinVar variation 845368 (VCV000845368.12), dbSNP rs2073510805, ClinGen allele CA402156987.

ClinVar aggregate classification (germline): Pathogenic/Likely pathogenic. Review status: criteria provided, multiple submitters, no conflicts (2 of 4 stars). 4 submissions from 4 submitters: Pathogenic (2); Likely pathogenic (2). Last evaluated 2024-11-12.

Conditions:
Charcot-Marie-Tooth disease. Also called: Charcot-Marie-Tooth Hereditary Neuropathy; Charcot-Marie-Tooth Neuropathy. Identifiers: Orphanet 166, MedGen C0007959, MONDO:0015626.
Amyloidosis, hereditary systemic 1 (AMYLD1). Also called: Familial amyloid polyneuropathy; Transthyretin Amyloidosis; AMYLOID CARDIOMYOPATHY; Isolated Cardiac Amyloidosis; Amyloid Cardiomyopathy, Transthyretin-related; Hereditary oculoleptomeningeal amyloid angiopathy. Identifiers: Orphanet 85447, Orphanet 85451, MedGen C2751492, MONDO:0971004, OMIM 105210.

Allele frequency attached by ClinVar (database versions not stated): gnomAD exomes below 0.00001.
gnomAD v4.1: 2 of 1,614,176 alleles (0.00012%); highest among the groups gnomAD compares: Non-Finnish European, 0.00017%; no homozygotes.

Submissions (4):

Labcorp Genetics (formerly Invitae), Labcorp
Classification: Pathogenic for Amyloidosis, hereditary systemic 1. Last evaluated: 2024-11-12. Review status: criteria provided, single submitter. Criteria: Invitae Variant Classification Sherloc (09022015). Collection method: clinical testing. Allele origin: germline.
Comment: This sequence change replaces phenylalanine, which is neutral and non-polar, with leucine, which is neutral and non-polar, at codon 84 of the TTR protein (p.Phe84Leu). This variant is not present in population databases (gnomAD no frequency). A different variant (c.250T>C) giving rise to the same protein effect has been determined to be pathogenic (PMID: 2046936, 8721565, 28635949). This suggests that this variant is also likely to be causative of disease. This variant is also known as p.Phe64Leu. ClinVar contains an entry for this variant (Variation ID: 845368). Invitae Evidence Modeling of protein sequence and biophysical properties (such as structural, functional, and spatial information, amino acid conservation, physicochemical variation, residue mobility, and thermodynamic stability) indicates that this missense variant is expected to disrupt TTR protein function with a positive predictive value of 95%. This variant disrupts the p.Phe84 amino acid residue in TTR. Other variant(s) that disrupt this residue have been determined to be pathogenic (PMID: 10488818, 15820680). This suggests that this residue is clinically significant, and that variants that disrupt this residue are likely to be disease-causing. For these reasons, this variant has been classified as Pathogenic.

GeneDx
Classification: Likely pathogenic. Last evaluated: 2024-10-13. Review status: criteria provided, single submitter. Criteria: GeneDx Variant Classification Process June 2021. Collection method: clinical testing. Allele origin: germline. Affected: yes.
Comment: Not observed at significant frequency in large population cohorts (gnomAD); In silico analysis supports that this missense variant has a deleterious effect on protein structure/function; Also known as p.(F64L); This variant is associated with the following publications: (PMID: 23279339, 28635949, Telukuntla_2020, 24368466, Barssoum_2020, 8721565, 22745357, 34207092, 2046936, 34658264, 34668655, 30811423, 17554795, 35095067)

Women's Health and Genetics/Laboratory Corporation of America, LabCorp
Classification: Pathogenic for Amyloidosis, hereditary systemic 1. Last evaluated: 2021-05-10. Review status: criteria provided, single submitter. Criteria: LabCorp Variant Classification Summary - May 2015. Collection method: clinical testing. Allele origin: germline.
Comment: Variant summary: TTR c.252T>G (p.Phe84Leu) results in a non-conservative amino acid change located in the Transthyretin/hydroxyisourate hydrolase domain (IPR023416) of the encoded protein sequence. Four of five in-silico tools predict a damaging effect of the variant on protein function. The variant was absent in 251440 control chromosomes (gnomAD). c.252T>G has been reported (also as Phe64Leu) in the literature in multiple individuals affected with Transthyretin Amyloidosis (example: Berk_2013, Iorio_2017, Rapezzi_2013). These data indicate that the variant is very likely to be associated with disease. To our knowledge, no experimental evidence demonstrating an impact on protein function has been reported. One ClinVar submitter (evaluation after 2014) cite the variant as pathogenic. Other missense variants affecting the same codon and nearby residues (example: c.244G>A p.E82K, c.250T>A p.F84I, c.250T>G p.F84V, c.251T>C p.F84S) have been reported in the Human Gene Mutation Database in association with Amyloidosis suggesting this area might be mutational hotspot. Based on the evidence outlined above, the variant was classified as pathogenic.

Molecular Genetics Laboratory, London Health Sciences Centre
Classification: Likely pathogenic for Charcot-Marie-Tooth disease. Review status: criteria provided, single submitter. Criteria: ACMG Guidelines, 2015. Collection method: clinical testing. Allele origin: germline. Affected: yes.

Literature cited by the submitters: PubMed 2046936 (cited by Labcorp Genetics (formerly Invitae), Labcorp); PubMed 8721565 (cited by Labcorp Genetics (formerly Invitae), Labcorp); PubMed 28635949 (cited by Labcorp Genetics (formerly Invitae), Labcorp and Women's Health and Genetics/Laboratory Corporation of America, LabCorp); PubMed 10488818 (cited by Labcorp Genetics (formerly Invitae), Labcorp); PubMed 15820680 (cited by Labcorp Genetics (formerly Invitae), Labcorp); PubMed 22745357 (cited by Women's Health and Genetics/Laboratory Corporation of America, LabCorp); PubMed 24368466 (cited by Women's Health and Genetics/Laboratory Corporation of America, LabCorp).